The following is an entry in ClinVar:

NM_001371727.1(GABRB2):c.60C>T (p.Ala20=)

Gene: GABRB2 (gamma-aminobutyric acid type A receptor subunit beta2; minus strand). Cytogenetic location: 5q34.
Variant type: single nucleotide variant.
Coding change: c.60C>T on transcript NM_001371727.1 (MANE Select); coding-DNA position 60, C replaced by T.
Protein change: p.Ala20=; no amino-acid change (alanine 20 retained).
Molecular consequence: synonymous variant.
Genome position (GRCh38, 1-based): chr5:161,546,584, G>A on the plus strand (C>T on the coding strand, the complement: GABRB2 is on the minus strand). VCF-style: chr5-161546584-G-A. GRCh37 (hg19) VCF-style: chr5-160973590-G-A.
Other names: c.60C>T, p.Ala20= (NM_000813.3, NM_021911.3).
Identifiers: ClinVar variation 386653 (VCV000386653.10), dbSNP rs763231952, ClinGen allele CA3543693.

ClinVar aggregate classification (germline): Likely benign. Review status: criteria provided, multiple submitters, no conflicts (2 of 4 stars). 2 submissions from 2 submitters: Likely benign (2). Last evaluated 2025-06-20.

Conditions:
Intellectual disability. Also called: Intellectual functioning disability; intellectual disabilities; Intellectual developmental disorder. Identifiers: MedGen C3714756, MeSH D008607, MONDO:0001071, HP:0001249.

Allele frequency attached by ClinVar (database versions not stated): TOPMed below 0.00001; gnomAD exomes 0.00002 and 0.00001; ExAC 0.00004; gnomAD 0.00001.
gnomAD v4.1: 23 of 1,599,616 alleles (0.0014%); highest among the groups gnomAD compares: Middle Eastern, 0.033%; no homozygotes.

Submissions (2):

Labcorp Genetics (formerly Invitae), Labcorp
Classification: Likely benign for Intellectual disability. Last evaluated: 2025-06-20. Review status: criteria provided, single submitter. Criteria: Invitae Variant Classification Sherloc (09022015). Collection method: clinical testing. Allele origin: germline.

GeneDx
Classification: Likely benign. Last evaluated: 2016-06-06. Review status: criteria provided, single submitter. Criteria: GeneDx Variant Classification (06012015). Collection method: clinical testing. Allele origin: germline. Affected: yes.
Comment: This variant is considered likely benign or benign based on one or more of the following criteria: it is a conservative change, it occurs at a poorly conserved position in the protein, it is predicted to be benign by multiple in silico algorithms, and/or has population frequency not consistent with disease.